The following is an entry in ClinVar:

ClinVar aggregate classification (germline): Likely benign (1 of 4 stars; one submission).

Submission:

CeGaT Center for Human Genetics Tuebingen
Classification: Likely benign. Last evaluated: 2023-05-01. Review status: criteria provided, single submitter. Criteria: CeGaT Center For Human Genetics Tuebingen Variant Classification Criteria Version 2. Collection method: clinical testing. Allele origin: germline. Affected: yes. Observed: 1 variant allele.
Comment: NRXN1: BP4, BP7

NM_001330078.2(NRXN1):c.210C>T (p.Phe70=)

Gene: NRXN1 (neurexin 1; minus strand). Cytogenetic location: 2p16.3.
Variant type: single nucleotide variant.
Coding change: c.210C>T on transcript NM_001330078.2 (MANE Select); coding-DNA position 210, C replaced by T.
Protein change: p.Phe70=; no amino-acid change (phenylalanine 70 retained).
Molecular consequence: synonymous variant.
Genome position (GRCh38, 1-based): chr2:51,028,064, G>A on the plus strand (C>T on the coding strand, the complement: NRXN1 is on the minus strand). VCF-style: chr2-51028064-G-A. GRCh37 (hg19) VCF-style: chr2-51255202-G-A.
Other names: c.210C>T, p.Phe70= (NM_001135659.3, NM_001330077.2, NM_001330079.2 and 15 more transcripts).
Identifiers: ClinVar variation 2650910 (VCV002650910.24), dbSNP rs757651023, ClinGen allele CA426129440.